The following is an entry in ClinVar:

ClinVar aggregate classification (germline): Uncertain significance (1 of 4 stars; one submission).

Conditions:
Autoimmune lymphoproliferative syndrome, type III caused by mutation in PRKCD. Identifiers: Orphanet 3261, Orphanet 664711, MedGen C3809928, MONDO:8000024, OMIM 615559.

Submission:

Labcorp Genetics (formerly Invitae), Labcorp
Classification: Uncertain significance for Autoimmune lymphoproliferative syndrome, type III caused by mutation in PRKCD. Last evaluated: 2019-01-29. Review status: criteria provided, single submitter. Criteria: Invitae Variant Classification Sherloc (09022015). Collection method: clinical testing. Allele origin: germline.
Comment: In summary, the available evidence is currently insufficient to determine the role of this variant in disease. Therefore, it has been classified as a Variant of Uncertain Significance. Algorithms developed to predict the effect of missense changes on protein structure and function output the following: SIFT: "Deleterious"; PolyPhen-2: "Benign"; Align-GVGD: "Class C0". The phenylalanine amino acid residue is found in multiple mammalian species, suggesting that this missense change does not adversely affect protein function. These predictions have not been confirmed by published functional studies and their clinical significance is uncertain. This variant has not been reported in the literature in individuals with PRKCD-related conditions. This variant is not present in population databases (ExAC no frequency). This sequence change replaces serine with phenylalanine at codon 299 of the PRKCD protein (p.Ser299Phe). The serine residue is moderately conserved and there is a large physicochemical difference between serine and phenylalanine.

NM_006254.4(PRKCD):c.896C>T (p.Ser299Phe)

Gene: PRKCD (protein kinase C delta; plus strand). Cytogenetic location: 3p21.1.
Variant type: single nucleotide variant.
Coding change: c.896C>T on transcript NM_006254.4 (MANE Select); coding-DNA position 896, C replaced by T.
Protein change: p.Ser299Phe; replaces serine 299 with phenylalanine.
Molecular consequence: missense variant.
Genome position (GRCh38, 1-based): chr3:53,185,611, C>T. VCF-style: chr3-53185611-C-T. GRCh37 (hg19) VCF-style: chr3-53219627-C-T.
Other names: c.896C>T, p.Ser299Phe (NM_001316327.2, NM_001354679.2, NM_001354680.2 and 1 more transcripts); c.953C>T, p.Ser318Phe (NM_001354676.2); c.944C>T, p.Ser315Phe (NM_001354678.2); short protein forms S315F, S318F, S299F.
Identifiers: ClinVar variation 844312 (VCV000844312.6), dbSNP rs1703646229, ClinGen allele CA353220795.